The following is an entry in ClinVar:

NM_020812.4(DOCK6):c.5912G>T (p.Arg1971Leu)

Gene: DOCK6 (dedicator of cytokinesis 6; minus strand). Cytogenetic location: 19p13.2.
Variant type: single nucleotide variant.
Coding change: c.5912G>T on transcript NM_020812.4 (MANE Select); coding-DNA position 5912, G replaced by T.
Protein change: p.Arg1971Leu; replaces arginine 1971 with leucine.
Molecular consequence: missense variant.
Genome position (GRCh38, 1-based): chr19:11,200,743, C>A on the plus strand (G>T on the coding strand, the complement: DOCK6 is on the minus strand). VCF-style: chr19-11200743-C-A. GRCh37 (hg19) VCF-style: chr19-11311419-C-A.
Other names: c.5912G>T (NM_020812.2); c.6017G>T, p.Arg2006Leu (NM_001367830.1); short protein forms R1971L, R2006L.
Identifiers: ClinVar variation 1997911 (VCV001997911.4), dbSNP rs761608003, ClinGen allele CA9206300.

ClinVar aggregate classification (germline): Uncertain significance. Review status: criteria provided, multiple submitters, no conflicts (2 of 4 stars). 2 submissions from 2 submitters: Uncertain significance (2). Last evaluated 2025-06-18.

Conditions:
Inborn genetic diseases. Identifiers: MedGen C0950123, MeSH D030342.

Allele frequency attached by ClinVar (database versions not stated): ExAC 0.00003.
gnomAD v4.1: 1 of 1,613,476 alleles (0.000062%); highest among the groups gnomAD compares: Non-Finnish European, 0.000085%; no homozygotes.

Submissions (2):

Ambry Genetics
Classification: Uncertain significance for Inborn genetic diseases. Last evaluated: 2025-06-18. Review status: criteria provided, single submitter. Criteria: Ambry Variant Classification Scheme 2023. Collection method: clinical testing. Allele origin: germline.

Labcorp Genetics (formerly Invitae), Labcorp
Classification: Uncertain significance. Last evaluated: 2022-05-23. Review status: criteria provided, single submitter. Criteria: Invitae Variant Classification Sherloc (09022015). Collection method: clinical testing. Allele origin: germline.
Comment: Algorithms developed to predict the effect of missense changes on protein structure and function are either unavailable or do not agree on the potential impact of this missense change (SIFT: "Deleterious"; PolyPhen-2: "Probably Damaging"; Align-GVGD: "Class C0"). This variant has not been reported in the literature in individuals affected with DOCK6-related conditions. This variant is present in population databases (rs761608003, gnomAD 0.006%). This sequence change replaces arginine, which is basic and polar, with leucine, which is neutral and non-polar, at codon 1971 of the DOCK6 protein (p.Arg1971Leu). In summary, the available evidence is currently insufficient to determine the role of this variant in disease. Therefore, it has been classified as a Variant of Uncertain Significance.